The following is an entry in ClinVar:

NM_000535.7(PMS2):c.804-21T>C

Gene: PMS2 (PMS1 homolog 2, mismatch repair system component; minus strand). Cytogenetic location: 7p22.1.
Variant type: single nucleotide variant.
Coding change: c.804-21T>C on transcript NM_000535.7 (MANE Select); 21 bases into the intron before coding-DNA position 804, T replaced by C.
Molecular consequence: intron variant.
Genome position (GRCh38, 1-based): chr7:5,995,654, A>G on the plus strand (T>C on the coding strand, the complement: PMS2 is on the minus strand). VCF-style: chr7-5995654-A-G. GRCh37 (hg19) VCF-style: chr7-6035285-A-G.
Other names: c.486-21T>C (NM_001322008.2, NM_001322007.2); c.399-21T>C (NM_001322010.2, NM_001322004.2, NM_001322003.2 and 2 more transcripts); c.231-21T>C (NM_001322013.2); c.-130-21T>C (NM_001322012.2, NM_001322011.2); c.495-21T>C (NM_001322015.2); c.804-21T>C (NM_001322006.2, NM_001322014.2).
Identifiers: ClinVar variation 1697538 (VCV001697538.8), dbSNP rs1481725459, ClinGen allele CA572547863.

ClinVar aggregate classification (germline): Benign/Likely benign. Review status: criteria provided, multiple submitters, no conflicts (2 of 4 stars). 2 submissions from 2 submitters: Benign (1); Likely benign (1). Last evaluated 2025-03-04.

Conditions:
Lynch syndrome 4 (LYNCH4). Also called: Hereditary non-polyposis colorectal cancer, type 4; Colorectal cancer, hereditary nonpolyposis, type 4. Identifiers: Orphanet 144, MedGen C1838333, MONDO:0013699, OMIM 614337. Disease mechanism: loss of function.

Allele frequency attached by ClinVar (database versions not stated): gnomAD exomes 0.00001; TOPMed 0.00002.

Submissions (2):

Center for Genomic Medicine, Rigshospitalet, Copenhagen University Hospital
Classification: Likely benign. Last evaluated: 2025-03-04. Review status: criteria provided, single submitter. Criteria: ACMG Guidelines, 2015. Collection method: clinical testing. Allele origin: germline.

Myriad Genetics, Inc.
Classification: Benign for Lynch syndrome 4. Last evaluated: 2025-01-28. Review status: criteria provided, single submitter. Criteria: Myriad Autosomal Dominant, Autosomal Recessive and X-Linked Classification Criteria (2023). Collection method: clinical testing. Allele origin: unknown.
Comment: This variant is considered benign. This variant is intronic and is not expected to impact mRNA splicing.